The following is an entry in ClinVar:

NM_000285.4(PEPD):c.744T>C (p.Gly248=)

Gene: PEPD (peptidase D; minus strand). Cytogenetic location: 19q13.11.
Variant type: single nucleotide variant.
Coding change: c.744T>C on transcript NM_000285.4 (MANE Select); coding-DNA position 744, T replaced by C.
Protein change: p.Gly248=; no amino-acid change (glycine 248 retained).
Molecular consequence: synonymous variant.
Genome position (GRCh38, 1-based): chr19:33,411,746, A>G on the plus strand (T>C on the coding strand, the complement: PEPD is on the minus strand). VCF-style: chr19-33411746-A-G. GRCh37 (hg19) VCF-style: chr19-33902652-A-G.
Other names: p.Gly248=; c.621T>C, p.Gly207= (NM_001166056.2); c.552T>C, p.Gly184= (NM_001166057.2).
Identifiers: ClinVar variation 328808 (VCV000328808.16), dbSNP rs74988985, ClinGen allele CA9364151.
Genomic context (GRCh38, chr19:33,411,746, plus strand): 5'-CTGGATCGTTCGGTCGTTGGGAGCTCCGGCGTGTCCGTAGTGTAGCACGGCTGAGTTCTC[A>G]CCACTGCAAAGAGCCGGGGGAGGGTGATCAAAGCCCATTCTTCTGCAGCAGGCTCTGAAG-3'
Protein context (NP_000276.2, residues 238-258): HSSYTCICGS[Gly248=]ENSAVLHYGH

ClinVar aggregate classification (germline): Benign. Review status: criteria provided, multiple submitters, no conflicts (2 of 4 stars). 5 submissions from 5 submitters: Benign (5). Last evaluated 2026-02-04.

Conditions:
Prolidase deficiency. Identifiers: Orphanet 742, MedGen C0268532, MONDO:0008221, OMIM 170100.

Allele frequency attached by ClinVar (database versions not stated): ESP Exome Variant Server 0.01145; gnomAD 0.01428 and 0.01436; gnomAD exomes 0.01638 and 0.01704; ExAC 0.01866; 1000 Genomes Project 30x 0.00687; 1000 Genomes Project 0.00739; TOPMed 0.01023.
gnomAD v4.1: 26,783 of 1,600,728 alleles (1.7%); highest among the groups gnomAD compares: Non-Finnish European, 1.7%; 319 homozygotes.

Submissions (5):

Labcorp Genetics (formerly Invitae), Labcorp
Classification: Benign. Last evaluated: 2026-02-04. Review status: criteria provided, single submitter. Criteria: Invitae Variant Classification Sherloc (09022015). Collection method: clinical testing. Allele origin: germline.

Mayo Clinic Laboratories, Mayo Clinic
Classification: Benign. Last evaluated: 2022-03-03. Review status: criteria provided, single submitter. Criteria: ACMG Guidelines, 2015. Collection method: clinical testing. Allele origin: germline. Observed: 17 variant alleles.

GeneDx
Classification: Benign. Last evaluated: 2021-05-04. Review status: criteria provided, single submitter. Criteria: GeneDx Variant Classification Process June 2021. Collection method: clinical testing. Allele origin: germline. Affected: yes.

Illumina Laboratory Services, Illumina
Classification: Benign for Prolidase deficiency. Last evaluated: 2018-01-13. Review status: criteria provided, single submitter. Criteria: ICSL Variant Classification Criteria 13 December 2019. Collection method: clinical testing. Allele origin: germline.
Comment: This variant was observed in the ICSL laboratory as part of a predisposition screen in an ostensibly healthy population. It had not been previously curated by ICSL or reported in the Human Gene Mutation Database (HGMD: prior to June 1st, 2018), and was therefore a candidate for classification through an automated scoring system. Utilizing variant allele frequency, disease prevalence and penetrance estimates, and inheritance mode, an automated score was calculated to assess if this variant is too frequent to cause the disease. Based on the score and internal cut-off values, a variant classified as benign is not then subjected to further curation. The score for this variant resulted in a classification of benign for this disease.

Breakthrough Genomics
Classification: Benign. Review status: criteria provided, single submitter. Criteria: ACMG Guidelines, 2015. Collection method: not provided. Allele origin: germline. Inheritance: Autosomal recessive inheritance. Affected: yes.